The following is an entry in ClinVar:

ClinVar aggregate classification (germline): Conflicting classifications of pathogenicity. Review status: criteria provided, conflicting classifications (1 of 4 stars). 20 submissions from 20 submitters: Uncertain significance (16); Likely benign (1). 3 of the submissions do not count toward it. Last evaluated 2025-03-05.

Conditions:
CFTR-related disorder (CFTR-RD). Also called: CFTR-related condition; CFTR-related disorders. Identifiers: MedGen C5924204, MONDO:7770004.
Hereditary pancreatitis (PCTT). Also called: Hereditary chronic pancreatitis; PRSS1-Related Hereditary Pancreatitis. Identifiers: Orphanet 676, MedGen C0238339, MONDO:0008185, OMIM 167800.
Bronchiectasis with or without elevated sweat chloride 1 (BESC1). Also called: Cystic Fibrosis-Like Syndrome. Identifiers: Orphanet 60033, MedGen C2749757, MONDO:0008887, OMIM 211400.
Congenital bilateral aplasia of vas deferens from CFTR mutation (CBAVD). Identifiers: Orphanet 48, MedGen C0403814, MONDO:0010178, OMIM 277180. Disease mechanism: loss of function.
Cystic fibrosis (CF). Also called: MUCOVISCIDOSIS. Identifiers: Orphanet 586, MedGen C0010674, MONDO:0009061, OMIM 219700. Disease mechanism: loss of function.

Allele frequency attached by ClinVar (database versions not stated): 1000 Genomes Project 30x 0.00094; 1000 Genomes Project 0.00100; TOPMed 0.00024.
gnomAD v4.1: 184 of 1,613,134 alleles (0.011%); highest among the groups gnomAD compares: East Asian, 0.098%; no homozygotes.

Submissions 1 to 5 of 20:

ARUP Laboratories, Molecular Genetics and Genomics, ARUP Laboratories
Classification: Uncertain significance. Last evaluated: 2025-03-05. Review status: criteria provided, single submitter. Criteria: ARUP Molecular Germline Variant Investigation Process 2024. Collection method: clinical testing. Allele origin: germline.
Comment: The CFTR c.1558G>A; p.Val520Ile variant (rs77646904, ClinVar Variation ID: 35825) has been reported in the literature in individuals with mild or atypical cystic fibrosis, including in individuals with congenital bilateral absence of the vas deferens (Bienvenue 2005, Danziger 2004, Groman 2002, Guan 2018, Luo 2021, Schwartz 2009, Yuan 2019), but in many cases a second CFTR variant was not identified. Additionally, another variant in the same codon, p.Val520Phe, is a known pathogenic variant (Sosnay 2013). The p.Val520Ile variant is found in the general population with an overall allele frequency of 0.015% (43/282,480 alleles) in the Genome Aggregation Database (v2.1.1). In vitro functional analyses of the variant protein demonstrate >10% residual function compared to wildtype (Bihler 2024). Computational analyses are uncertain whether this variant is neutral or deleterious (REVEL: 0.486). Due to limited information, the clinical significance of the p.Val520Ile variant is uncertain at this time. References: Bienvenu T et al. Spectrum of CFTR mutations on Reunion Island: impact on neonatal screening. Hum Biol. 2005. 77(5):705-14. PMID: 16596947. Bihler H et al. In vitro modulator responsiveness of 655 CFTR variants found in people with cystic fibrosis. J Cyst Fibros. 2024 Jul;23(4):664-675. PMID: 38388235. Danziger KL et al. Improved detection of cystic fibrosis mutations in infertility patients with DNA sequence analysis. Hum Reprod. 2004. 19(3):540-6. PMID: 14998948. Groman JD et al. Variant cystic fibrosis phenotypes in the absence of CFTR mutations. N Engl J Med. 2002. 347(6):401-7. PMID: 12167682. Guan WJ et al. Next-generation sequencing for identifying genetic mutations in adults with bronchiectasis. J Thorac Dis. 2018 May;10(5):2618-2630. PMID: 29997923. Luo S et al. Mutation analysis of the cystic fibrosis transmembrane conductance regulator gene in Chinese congenital absence of vas deferens patients. Gene. 2021 Jan 10;765:145045. PMID: 32777524. Schwartz K et al. Identification of cystic fibrosis variants by polymerase chain reaction/oligonucleotide ligation assay. J Mol Diagn. 2009. 11(3):211-5. PMID: 19324992. Sosnay PR et al. Defining the disease liability of variants in the cystic fibrosis transmembrane conductance regulator gene. Nat Genet. 2013. 45(10):1160-7. PMID: 23974870. Yuan P et al. Expanding the phenotypic and genetic spectrum of Chinese patients with congenital absence of vas deferens bearing CFTR and ADGRG2 alleles. Andrology. 2019 May;7(3):329-340. PMID: 30811104.

Women's Health and Genetics/Laboratory Corporation of America, LabCorp
Classification: Uncertain significance. Last evaluated: 2025-02-28. Review status: criteria provided, single submitter. Criteria: LabCorp Variant Classification Summary - May 2015. Collection method: clinical testing. Allele origin: germline.
Comment: Variant summary: CFTR c.1558G>A (p.Val520Ile) results in a conservative amino acid change located in the AAA+ ATPase domain and ABC transporter-like domain of the encoded protein sequence. Three of five in-silico tools predict a damaging effect of the variant on protein function. The variant allele was found at a frequency of 0.00015 in 251302 control chromosomes. This frequency is not significantly higher than estimated for a pathogenic variant in CFTR causing Cystic Fibrosis (0.00015 vs 0.013), allowing no conclusion about variant significance. c.1558G>A has been reported in the literature in individuals affected with Cystic Fibrosis or CFTR-related disorders (e.g. CBAVD, bronchiectasis) (e.g. Bienvenu_2005, Danziger_2004, Guan_2018, Nectoux_2006, Yuan_2019, Luo_2021) and also other phenotypes such as lung adenocarcinoma, non-obstructive azoospermia or severe oligozoospermia and pancreatic cancer (e.g. Donner_2018, Oud_2017, Tamura_2018, Smits_2019). In addition, the variant was observed in a CF patient who also carried 2347delG and deltaF508 mutations (Bienvenu_2005). These co-occurrences indicate that the variant may be in the benign spectrum. Furthermore, c.1558G>A has been documented in CBAVD patients who were reported to also carry 3601-3C>A (c.3469-3C>A as per HGVS nomenclature) (Danziger_2004) and c.2042A>T (Yuan_2019). Claustres et al (2017) report the variant in trans with p.K710X being observed in an asymptomatic compound heterozygote individual. Taken together, these reports do not allow for unequivocal conclusions about association of the variant with cystic fibrosis. A different variant affecting the same codon has been classified as pathogenic by our lab (c.1558G>T, p.Val520Phe), supporting the critical relevance of codon 520 to CFTR protein function. At least one publication reports experimental evidence evaluating an impact on protein function. The most pronounced variant effect resulted in approximately ~41% of normal chloride channel conductance relative to wild type (e.g., Bihler_2024). The following publications have been ascertained in the context of this evaluation (PMID: 12167682, 17020473, 16596947, 14998948, 24517344, 25087612, 25735457, 18937943, 26708955, 28603918, 28801929, 29997923, 29669919, 30032850, 30811104, 31672438, 32777524, 34996830, 38388235). ClinVar contains an entry for this variant (Variation ID: 35825). Based on the evidence outlined above, the variant was classified as VUS-possibly pathogenic.

Labcorp Genetics (formerly Invitae), Labcorp
Classification: Uncertain significance for Cystic fibrosis. Last evaluated: 2025-01-23. Review status: criteria provided, single submitter. Criteria: Invitae Variant Classification Sherloc (09022015). Collection method: clinical testing. Allele origin: germline.
Comment: This sequence change replaces valine, which is neutral and non-polar, with isoleucine, which is neutral and non-polar, at codon 520 of the CFTR protein (p.Val520Ile). This variant is present in population databases (rs77646904, gnomAD 0.08%). This missense change has been observed in individuals with congenital absence of vas deferens and/or cystic fibrosis (PMID: 12167682, 14998948, 16596947, 17020473, 19324992, 30811104). ClinVar contains an entry for this variant (Variation ID: 35825). An algorithm developed to predict the effect of missense changes on protein structure and function outputs the following: PolyPhen-2: "Possibly Damaging". The isoleucine amino acid residue is found in multiple mammalian species, which suggests that this missense change does not adversely affect protein function. This variant disrupts the p.Val520 amino acid residue in CFTR. Other variant(s) that disrupt this residue have been determined to be pathogenic (PMID: 23891399, 23974870). This suggests that this residue is clinically significant, and that variants that disrupt this residue are likely to be disease-causing. In summary, the available evidence is currently insufficient to determine the role of this variant in disease. Therefore, it has been classified as a Variant of Uncertain Significance.

Quest Diagnostics Nichols Institute San Juan Capistrano
Classification: Uncertain significance. Last evaluated: 2025-01-17. Review status: criteria provided, single submitter. Criteria: Quest Diagnostics criteria. Collection method: clinical testing. Allele origin: unknown.
Comment: The CFTR c.1558G>A (p.Val520Ile) variant has been reported in the published literature in individuals with cystic fibrosis and/or congenital absence of the vas deferens (PMIDs: 32777524 (2021), 30811104 (2019), 19324992 (2009), 14998948 (2004), and 12167682 (2002)), as well as bronchiectasis (PMID: 29997923 (2018)). A published functional study showed that the variant had around 40% of chloride transport activity relative to wild type CFTR and was classified as responsive to CFTR modulators (PMID: 38388235 (2024)). The frequency of this variant in the general population (Genome Aggregation Database) is uninformative in the assessment of its pathogenicity. Analysis of this variant using bioinformatics tools for the prediction of the effect of amino acid changes on protein structure and function yielded conflicting predictions that this variant is deleterious or benign. Based on the available information, we are unable to determine the clinical significance of this variant.

GeneDx
Classification: Uncertain significance. Last evaluated: 2024-12-20. Review status: criteria provided, single submitter. Criteria: GeneDx Variant Classification Process June 2021. Collection method: clinical testing. Allele origin: germline. Affected: yes.
Comment: Observed in individuals with CFTR-related disorders (PMID: 14998948, 29997923, 30811104, 32777524); In silico analysis indicates that this missense variant does not alter protein structure/function; This variant is associated with the following publications: (PMID: 26708955, 25735457, 18937943, 25087612, 29997923, 12167682, 29216686, 16596947, 17020473, 19324992, 23974870, 14998948, 24517344, 34426522, 32366966, 34996830, 30811104, 32777524, 35913788, 38388235, 38933898, 36193559)

NM_000492.4(CFTR):c.1558G>A (p.Val520Ile)

Genes: CFTR (CF transmembrane conductance regulator; plus strand), CFTR-AS1 (CFTR antisense RNA 1; minus strand). Cytogenetic location: 7q31.2.
Variant type: single nucleotide variant.
Coding change: c.1558G>A on transcript NM_000492.4 (MANE Select); coding-DNA position 1558, G replaced by A.
Protein change: p.Val520Ile; replaces valine 520 with isoleucine.
Molecular consequence: missense variant.
Genome position (GRCh38, 1-based): chr7:117,559,629, G>A. VCF-style: chr7-117559629-G-A. GRCh37 (hg19) VCF-style: chr7-117199683-G-A.
Identifiers: ClinVar variation 35825 (VCV000035825.73), dbSNP rs77646904, ClinGen allele CA221008.